The following is an entry in ClinVar:

ClinVar aggregate classification (germline): Benign. Review status: criteria provided, multiple submitters, no conflicts (2 of 4 stars). 3 submissions from 3 submitters: Benign (3). Last evaluated 2026-01-08.

Conditions:
PLTP-related disorder. Also called: PLTP-related condition.

Allele frequency attached by ClinVar (database versions not stated): 1000 Genomes Project 0.02216; 1000 Genomes Project 30x 0.02233; gnomAD exomes 0.00129 and 0.00335; gnomAD 0.01180 and 0.01221; ESP Exome Variant Server 0.01207; TOPMed 0.01289.

Submissions (3):

Labcorp Genetics (formerly Invitae), Labcorp
Classification: Benign. Last evaluated: 2026-01-08. Review status: criteria provided, single submitter. Criteria: Invitae Variant Classification Sherloc (09022015). Collection method: clinical testing. Allele origin: germline.

PreventionGenetics, part of Exact Sciences
Classification: Benign for PLTP-related condition. Last evaluated: 2024-12-23. Review status: criteria provided, single submitter. Criteria: ACMG Guidelines, 2015. Collection method: clinical testing. Allele origin: germline.
Comment: This variant is classified as benign based on ACMG/AMP sequence variant interpretation guidelines (Richards et al. 2015 PMID: 25741868, with internal and published modifications).

Breakthrough Genomics
Classification: Benign. Review status: criteria provided, single submitter. Criteria: ACMG Guidelines, 2015. Collection method: not provided. Allele origin: germline. Inheritance: Unknown mechanism. Affected: yes.

NM_006227.4(PLTP):c.371C>A (p.Ser124Tyr)

Gene: PLTP (phospholipid transfer protein; minus strand). Cytogenetic location: 20q13.12.
Variant type: single nucleotide variant.
Coding change: c.371C>A on transcript NM_006227.4 (MANE Select); coding-DNA position 371, C replaced by A.
Protein change: p.Ser124Tyr; replaces serine 124 with tyrosine.
Molecular consequence: missense variant. On other transcripts: intron variant (2).
Genome position (GRCh38, 1-based): chr20:45,909,630, G>T on the plus strand (C>A on the coding strand, the complement: PLTP is on the minus strand). VCF-style: chr20-45909630-G-T. GRCh37 (hg19) VCF-style: chr20-44538269-G-T.
Other names: c.107C>A, p.Ser36Tyr (NM_001242921.1); c.200+1522C>A (NM_001242920.2); c.329+312C>A (NM_182676.3); short protein forms S124Y, S36Y.
Identifiers: ClinVar variation 780609 (VCV000780609.11), dbSNP rs11569636, ClinGen allele CA9883899.